The following is an entry in ClinVar:

ClinVar aggregate classification (germline): Uncertain significance (1 of 4 stars; one submission).

Allele frequency attached by ClinVar (database versions not stated): gnomAD 0.00001; ExAC 0.00002; TOPMed 0.00002; ESP Exome Variant Server 0.00015.
gnomAD v4.1: 54 of 1,613,846 alleles (0.0033%); highest among the groups gnomAD compares: Non-Finnish European, 0.0042%; no homozygotes.

Submission:

Labcorp Genetics (formerly Invitae), Labcorp
Classification: Uncertain significance. Last evaluated: 2022-05-19. Review status: criteria provided, single submitter. Criteria: Invitae Variant Classification Sherloc (09022015). Collection method: clinical testing. Allele origin: germline.
Comment: This sequence change replaces threonine, which is neutral and polar, with arginine, which is basic and polar, at codon 522 of the PLK4 protein (p.Thr522Arg). This variant is present in population databases (rs373445088, gnomAD 0.003%). This variant has not been reported in the literature in individuals affected with PLK4-related conditions. Algorithms developed to predict the effect of missense changes on protein structure and function output the following: SIFT: "Deleterious"; PolyPhen-2: "Benign"; Align-GVGD: "Class C0". The arginine amino acid residue is found in multiple mammalian species, which suggests that this missense change does not adversely affect protein function. In summary, the available evidence is currently insufficient to determine the role of this variant in disease. Therefore, it has been classified as a Variant of Uncertain Significance.

NM_014264.5(PLK4):c.1565C>G (p.Thr522Arg)

Gene: PLK4 (polo like kinase 4; plus strand). Cytogenetic location: 4q28.1.
Variant type: single nucleotide variant.
Coding change: c.1565C>G on transcript NM_014264.5 (MANE Select); coding-DNA position 1565, C replaced by G.
Protein change: p.Thr522Arg; replaces threonine 522 with arginine.
Molecular consequence: missense variant.
Genome position (GRCh38, 1-based): chr4:127,889,971, C>G. VCF-style: chr4-127889971-C-G. GRCh37 (hg19) VCF-style: chr4-128811126-C-G.
Other names: c.1469C>G, p.Thr490Arg (NM_001190799.2); c.1442C>G, p.Thr481Arg (NM_001190801.2); short protein forms T522R, T481R, T490R.
Identifiers: ClinVar variation 1899663 (VCV001899663.2), dbSNP rs373445088, ClinGen allele CA3076808.